The following is an entry in ClinVar:

NM_181741.4(ORC4):c.1090G>A (p.Val364Ile)

Gene: ORC4 (origin recognition complex subunit 4; minus strand). Cytogenetic location: 2q23.1.
Variant type: single nucleotide variant.
Coding change: c.1090G>A on transcript NM_181741.4 (MANE Select); coding-DNA position 1090, G replaced by A.
Protein change: p.Val364Ile; replaces valine 364 with isoleucine.
Molecular consequence: missense variant.
Genome position (GRCh38, 1-based): chr2:147,938,178, C>T on the plus strand (G>A on the coding strand, the complement: ORC4 is on the minus strand). VCF-style: chr2-147938178-C-T. GRCh37 (hg19) VCF-style: chr2-148695747-C-T.
Other names: c.1090G>A, p.Val364Ile (NM_001190879.3, NM_001374270.1, NM_002552.5 and 1 more transcripts); c.838G>A, p.Val280Ile (NM_001190881.3, NM_001374272.1); c.868G>A, p.Val290Ile (NM_001190882.3); short protein forms V364I, V280I, V290I.
Identifiers: ClinVar variation 436116 (VCV000436116.20), dbSNP rs138876526, ClinGen allele CA1899387.

ClinVar aggregate classification (germline): Conflicting classifications of pathogenicity. Review status: criteria provided, conflicting classifications (1 of 4 stars). 4 submissions from 4 submitters: Uncertain significance (2); Likely benign (1). 1 of the submissions does not count toward it. Last evaluated 2025-08-31.

Conditions:
ORC4-related disorder. Also called: ORC4-related condition.
Inborn genetic diseases. Identifiers: MedGen C0950123, MeSH D030342.

Allele frequency attached by ClinVar (database versions not stated): 1000 Genomes Project 30x 0.00047; 1000 Genomes Project 0.00060; gnomAD exomes 0.00066 and 0.00080; ExAC 0.00067; gnomAD 0.00131 and 0.00145; ESP Exome Variant Server 0.00169; TOPMed 0.00181.
gnomAD v4.1: 1,381 of 1,612,432 alleles (0.086%); highest among the groups gnomAD compares: African/African-American, 0.35%; 1 homozygote.

Submissions (4):

Labcorp Genetics (formerly Invitae), Labcorp
Classification: Likely benign. Last evaluated: 2025-08-31. Review status: criteria provided, single submitter. Criteria: Invitae Variant Classification Sherloc (09022015). Collection method: clinical testing. Allele origin: germline.

Ambry Genetics
Classification: Uncertain significance for Inborn genetic diseases. Last evaluated: 2024-07-05. Review status: criteria provided, single submitter. Criteria: Ambry Variant Classification Scheme 2023. Collection method: clinical testing. Allele origin: germline.

Genetic Services Laboratory, University of Chicago
Classification: Uncertain significance. Last evaluated: 2016-06-14. Review status: criteria provided, single submitter. Criteria: ACMG Guidelines, 2015. Collection method: clinical testing. Allele origin: germline. Affected: no.

PreventionGenetics, part of Exact Sciences
Classification: Likely benign for ORC4-related condition. Last evaluated: 2022-10-11. Review status: no assertion criteria provided. Collection method: clinical testing. Allele origin: germline. Not counted in ClinVar's aggregate classification.
Comment: This variant is classified as likely benign based on ACMG/AMP sequence variant interpretation guidelines (Richards et al. 2015 PMID: 25741868, with internal and published modifications).